The following is an entry in ClinVar:

ClinVar aggregate classification (germline): Uncertain significance (1 of 4 stars; one submission).

Conditions:
Pallister-Hall syndrome (PHS). Also called: HYPOTHALAMIC HAMARTOBLASTOMA, HYPOPITUITARISM, IMPERFORATE ANUS, AND POSTAXIAL POLYDACTYLY; GLI3-Related Pallister-Hall Syndrome. Identifiers: Orphanet 672, MedGen C0265220, MONDO:0007804, OMIM 146510.
Greig cephalopolysyndactyly syndrome (GCPS). Also called: GLI3-Related Greig Cephalopolysyndactyly Syndrome; POLYSYNDACTYLY WITH PECULIAR SKULL SHAPE; Greig syndrome. Identifiers: Orphanet 380, MedGen C0265306, MONDO:0008287, OMIM 175700.

gnomAD v4.1: 2 of 1,605,772 alleles (0.00012%); highest among the groups gnomAD compares: Middle Eastern, 0.016%; no homozygotes.

Submission:

Labcorp Genetics (formerly Invitae), Labcorp
Classification: Uncertain significance for Pallister-Hall syndrome; Greig cephalopolysyndactyly syndrome. Last evaluated: 2025-03-07. Review status: criteria provided, single submitter. Criteria: Invitae Variant Classification Sherloc (09022015). Collection method: clinical testing. Allele origin: germline.
Comment: This sequence change replaces lysine, which is basic and polar, with asparagine, which is neutral and polar, at codon 1178 of the GLI3 protein (p.Lys1178Asn). This variant is not present in population databases (gnomAD no frequency). This missense change has been observed in individual(s) with GLI3-mediated polydactyly syndromes (PMID: 32591344). Invitae Evidence Modeling of protein sequence and biophysical properties (such as structural, functional, and spatial information, amino acid conservation, physicochemical variation, residue mobility, and thermodynamic stability) indicates that this missense variant is not expected to disrupt GLI3 protein function with a negative predictive value of 95%. In summary, the available evidence is currently insufficient to determine the role of this variant in disease. Therefore, it has been classified as a Variant of Uncertain Significance.

Literature cited by the submitters: PubMed 32591344.

NM_000168.6(GLI3):c.3534G>C (p.Lys1178Asn)

Gene: GLI3 (GLI family zinc finger 3; minus strand). Cytogenetic location: 7p14.1.
Variant type: single nucleotide variant.
Coding change: c.3534G>C on transcript NM_000168.6 (MANE Select); coding-DNA position 3534, G replaced by C.
Protein change: p.Lys1178Asn; replaces lysine 1178 with asparagine.
Molecular consequence: missense variant.
Genome position (GRCh38, 1-based): chr7:41,965,539, C>G on the plus strand (G>C on the coding strand, the complement: GLI3 is on the minus strand). VCF-style: chr7-41965539-C-G. GRCh37 (hg19) VCF-style: chr7-42005137-C-G.
Other names: short protein forms K1178N.
Identifiers: ClinVar variation 3762097 (VCV003762097.2).
Genomic context (GRCh38, chr7:41,965,539, plus strand): 5'-GACCATGCCGTTGCAGAACCCAAAGGCGCGAGTCTGCGGCACAGCGGGCCGCGGCCCACA[C>G]TTGAGCTTGGAGGAGGACAGGTCGGCGCTTCCGGAGCTGACTTCGTTCCACTGAATGGGC-3'
Protein context (NP_000159.3, residues 1168-1188): GSADLSSSKL[Lys1178Asn]CGPRPAVPQT